The following is an entry in ClinVar:

NM_000264.5(PTCH1):c.2168T>G (p.Leu723Arg)

Genes: PTCH1 (patched 1; minus strand), LOC100507346 (uncharacterized LOC100507346; plus strand). Cytogenetic location: 9q22.32.
Variant type: single nucleotide variant.
Coding change: c.2168T>G on transcript NM_000264.5 (MANE Select); coding-DNA position 2168, T replaced by G.
Protein change: p.Leu723Arg; replaces leucine 723 with arginine.
Molecular consequence: missense variant. On other transcripts: non-coding transcript variant (2).
Genome position (GRCh38, 1-based): chr9:95,468,833, A>C on the plus strand (T>G on the coding strand, the complement: PTCH1 is on the minus strand). VCF-style: chr9-95468833-A-C. GRCh37 (hg19) VCF-style: chr9-98231115-A-C.
Other names: c.1970T>G, p.Leu657Arg (NM_001083602.3); c.2165T>G, p.Leu722Arg (NM_001083603.3); c.1715T>G, p.Leu572Arg (NM_001083604.3, NM_001083605.3, NM_001083606.3 and 1 more transcripts); c.2012T>G, p.Leu671Arg (NM_001354918.2); short protein forms L657R, L723R, L722R, L572R, L671R.
Identifiers: ClinVar variation 524540 (VCV000524540.9), dbSNP rs1554694943, ClinGen allele CA374115460.

ClinVar aggregate classification (germline): Uncertain significance (1 of 4 stars; one submission).

Conditions:
Gorlin syndrome. Also called: Nevoid Basal Cell Carcinoma Syndrome; Basal cell nevus syndrome. Identifiers: Orphanet 377, MedGen C0004779, MONDO:0007187.

Submission:

Labcorp Genetics (formerly Invitae), Labcorp
Classification: Uncertain significance for Gorlin syndrome. Last evaluated: 2017-12-12. Review status: criteria provided, single submitter. Criteria: Invitae Variant Classification Sherloc (09022015). Collection method: clinical testing. Allele origin: germline.
Comment: In summary, the available evidence is currently insufficient to determine the role of this variant in disease. Therefore, it has been classified as a Variant of Uncertain Significance. Algorithms developed to predict the effect of missense changes on protein structure and function (SIFT, PolyPhen-2, Align-GVGD) all suggest that this variant is likely to be tolerated, but these predictions have not been confirmed by published functional studies and their clinical significance is uncertain. This variant has not been reported in the literature in individuals with PTCH1-related disease. This variant is not present in population databases (ExAC no frequency). This sequence change replaces leucine with arginine at codon 723 of the PTCH1 protein (p.Leu723Arg). The leucine residue is moderately conserved and there is a moderate physicochemical difference between leucine and arginine.